The following is an entry in ClinVar:

ClinVar aggregate classification (germline): Uncertain significance (1 of 4 stars; one submission).

Conditions:
Congenital glucose-galactose malabsorption (GGM). Also called: MONOSACCHARIDE MALABSORPTION; DIARRHEA 16. Identifiers: Orphanet 35710, MedGen C0268186, MONDO:0011731, OMIM 606824.

Submission:

Labcorp Genetics (formerly Invitae), Labcorp
Classification: Uncertain significance for Congenital glucose-galactose malabsorption. Last evaluated: 2022-06-18. Review status: criteria provided, single submitter. Criteria: Invitae Variant Classification Sherloc (09022015). Collection method: clinical testing. Allele origin: germline.
Comment: In summary, the available evidence is currently insufficient to determine the role of this variant in disease. Therefore, it has been classified as a Variant of Uncertain Significance. Algorithms developed to predict the effect of missense changes on protein structure and function (SIFT, PolyPhen-2, Align-GVGD) all suggest that this variant is likely to be tolerated. This variant has not been reported in the literature in individuals affected with SLC5A1-related conditions. This variant is not present in population databases (gnomAD no frequency). This sequence change replaces glutamic acid, which is acidic and polar, with aspartic acid, which is acidic and polar, at codon 253 of the SLC5A1 protein (p.Glu253Asp).

NM_000343.4(SLC5A1):c.759A>T (p.Glu253Asp)

Gene: SLC5A1 (solute carrier family 5 member 1; plus strand). Cytogenetic location: 22q12.3.
Variant type: single nucleotide variant.
Coding change: c.759A>T on transcript NM_000343.4 (MANE Select); coding-DNA position 759, A replaced by T.
Protein change: p.Glu253Asp; replaces glutamic acid 253 with aspartic acid.
Molecular consequence: missense variant.
Genome position (GRCh38, 1-based): chr22:32,084,533, A>T. VCF-style: chr22-32084533-A-T. GRCh37 (hg19) VCF-style: chr22-32480520-A-T.
Other names: c.378A>T, p.Glu126Asp (NM_001256314.2); short protein forms E253D, E126D.
Identifiers: ClinVar variation 2007885 (VCV002007885.4), dbSNP rs1452319196, ClinGen allele CA411303556.